The following is an entry in ClinVar:

NM_001572.5(IRF7):c.1089dup (p.Pro364fs)

Gene: IRF7 (interferon regulatory factor 7; minus strand). Cytogenetic location: 11p15.5.
Variant type: Duplication.
Coding change: c.1089dup on transcript NM_001572.5 (MANE Select); coding-DNA position 1089, one base duplicated (G; older notation c.1089dupG).
Protein change: p.Pro364fs; shifts the reading frame from proline 364.
Molecular consequence: frameshift variant.
Genome position (GRCh38, 1-based): chr11:613,354, C duplicated on the plus strand (G on the coding strand, the reverse complement: IRF7 is on the minus strand); the first of 5 consecutive C bases (chr11:613,354-613,358); duplicating any one gives the same sequence. VCF-style (leftmost placement, unchanged base first): chr11-613353-G-GC. GRCh37 (hg19) VCF-style: chr11-613353-G-GC.
Other names: c.1002dup, p.Pro335fs (NM_004029.4); c.1128dup, p.Pro377fs (NM_004031.4); short protein forms P377fs, P335fs, P364fs.
Identifiers: ClinVar variation 1400440 (VCV001400440.6), dbSNP rs970393690, ClinGen allele CA216910396.

ClinVar aggregate classification (germline): Uncertain significance (1 of 4 stars; one submission).

Conditions:
Immunodeficiency 39 (IMD39). Identifiers: Orphanet 574918, MedGen C4225358, MONDO:0014597, OMIM 616345.

Submission:

Labcorp Genetics (formerly Invitae), Labcorp
Classification: Uncertain significance for Immunodeficiency 39. Last evaluated: 2024-10-17. Review status: criteria provided, single submitter. Criteria: Invitae Variant Classification Sherloc (09022015). Collection method: clinical testing. Allele origin: germline.
Comment: This sequence change creates a premature translational stop signal (p.Pro377Alafs*38) in the IRF7 gene. It is expected to result in an absent or disrupted protein product. However, the current clinical and genetic evidence is not sufficient to establish whether loss-of-function variants in IRF7 cause disease. This variant is present in population databases (no rsID available, gnomAD 0.003%). This premature translational stop signal has been observed in individual(s) with IRF7-related conditions (PMID: 32972995). ClinVar contains an entry for this variant (Variation ID: 1400440). In summary, the available evidence is currently insufficient to determine the role of this variant in disease. Therefore, it has been classified as a Variant of Uncertain Significance.

Literature cited by the submitters: PubMed 32972995.